The following is an entry in ClinVar:

ClinVar aggregate classification (germline): Likely pathogenic. Review status: criteria provided, multiple submitters, no conflicts (2 of 4 stars). 2 submissions from 2 submitters: Likely pathogenic (2). Last evaluated 2023-10-28.

Conditions:
Mucopolysaccharidosis type 6 (MPS6). Also called: N-ACETYLGALACTOSAMINE-4-SULFATASE DEFICIENCY; MPS VI; MPS 6; Maroteaux Lamy syndrome; ARSB DEFICIENCY; ARYLSULFATASE B DEFICIENCY. Identifiers: Orphanet 583, MedGen C0026709, MONDO:0009661, OMIM 253200.

Submissions (2):

Labcorp Genetics (formerly Invitae), Labcorp
Classification: Likely pathogenic for Mucopolysaccharidosis type 6. Last evaluated: 2023-10-28. Review status: criteria provided, single submitter. Criteria: Invitae Variant Classification Sherloc (09022015). Collection method: clinical testing. Allele origin: germline.
Comment: This sequence change replaces isoleucine, which is neutral and non-polar, with asparagine, which is neutral and polar, at codon 296 of the ARSB protein (p.Ile296Asn). This variant is not present in population databases (gnomAD no frequency). This missense change has been observed in individual(s) with mucopolysaccharidosis type VI (PMID: 17458871). ClinVar contains an entry for this variant (Variation ID: 559817). Advanced modeling of protein sequence and biophysical properties (such as structural, functional, and spatial information, amino acid conservation, physicochemical variation, residue mobility, and thermodynamic stability) performed at Invitae indicates that this missense variant is expected to disrupt ARSB protein function with a positive predictive value of 95%. In summary, the currently available evidence indicates that the variant is pathogenic, but additional data are needed to prove that conclusively. Therefore, this variant has been classified as Likely Pathogenic.

Laboratory of Diagnosis and Therapy of Lysosomal Disorders, University of Padova
Classification: Likely pathogenic for Mucopolysaccharidosis type 6. Last evaluated: 2018-01-01. Review status: criteria provided, single submitter. Criteria: ACMG Guidelines, 2015. Collection method: curation. Allele origin: germline. Affected: yes.
Comment: In vitro functional studies supportive of a damaging effect on the gene product (low to no ARSB activity in homozygotes; PS3); Absent from GnomAD (PM2)

Literature cited by the submitters: PubMed 17458871 (cited by Labcorp Genetics (formerly Invitae), Labcorp and Laboratory of Diagnosis and Therapy of Lysosomal Disorders, University of Padova); PubMed 30118150 (cited by Laboratory of Diagnosis and Therapy of Lysosomal Disorders, University of Padova).

NM_000046.5(ARSB):c.887T>A (p.Ile296Asn)

Gene: ARSB (arylsulfatase B; minus strand). Cytogenetic location: 5q14.1.
Variant type: single nucleotide variant.
Coding change: c.887T>A on transcript NM_000046.5 (MANE Select); coding-DNA position 887, T replaced by A.
Protein change: p.Ile296Asn; replaces isoleucine 296 with asparagine.
Molecular consequence: missense variant.
Genome position (GRCh38, 1-based): chr5:78,955,306, A>T on the plus strand (T>A on the coding strand, the complement: ARSB is on the minus strand). VCF-style: chr5-78955306-A-T. GRCh37 (hg19) VCF-style: chr5-78251129-A-T.
Other names: c.887T>A, p.Ile296Asn (NM_198709.3); short protein forms I296N.
Identifiers: ClinVar variation 559817 (VCV000559817.4), dbSNP rs1554086368, ClinGen allele CA360191910.